The following is an entry in ClinVar:

NM_002769.5(PRSS1):c.103G>T (p.Val35Phe)

Genes: PRSS1 (serine protease 1; plus strand), TRB (T cell receptor beta locus; plus strand). Cytogenetic location: 7q34.
Variant type: single nucleotide variant.
Coding change: c.103G>T on transcript NM_002769.5 (MANE Select); coding-DNA position 103, G replaced by T.
Protein change: p.Val35Phe; replaces valine 35 with phenylalanine.
Molecular consequence: missense variant.
Genome position (GRCh38, 1-based): chr7:142,750,617, G>T. VCF-style: chr7-142750617-G-T. GRCh37 (hg19) VCF-style: chr7-142458468-G-T.
Other names: short protein forms V35F.
Identifiers: ClinVar variation 645885 (VCV000645885.8), dbSNP rs1286351441, ClinGen allele CA369607232.
Genomic context (GRCh38, chr7:142,750,617, plus strand): 5'-GCTGCCCCCTTTGATGATGATGACAAGATCGTTGGGGGCTACAACTGTGAGGAGAATTCT[G>T]TCCCCTACCAGGTGTCCCTGAATTCTGGCTACCACTTCTGTGGTGGCTCCCTCATCAACG-3'
Protein context (NP_002760.1, residues 25-45): VGGYNCEENS[Val35Phe]PYQVSLNSGY

ClinVar aggregate classification (germline): Uncertain significance (1 of 4 stars; one submission).

Conditions:
Hereditary pancreatitis (PCTT). Also called: PRSS1-Related Hereditary Pancreatitis; Hereditary chronic pancreatitis. Identifiers: Orphanet 676, MedGen C0238339, MONDO:0008185, OMIM 167800.

Submission:

Labcorp Genetics (formerly Invitae), Labcorp
Classification: Uncertain significance for Hereditary pancreatitis. Last evaluated: 2018-07-09. Review status: criteria provided, single submitter. Criteria: Invitae Variant Classification Sherloc (09022015). Collection method: clinical testing. Allele origin: germline.
Comment: This variant has not been reported in the literature in individuals with PRSS1-related disease. This variant is not present in population databases (ExAC no frequency). This sequence change replaces valine with phenylalanine at codon 35 of the PRSS1 protein (p.Val35Phe). The valine residue is moderately conserved and there is a small physicochemical difference between valine and phenylalanine. In summary, the available evidence is currently insufficient to determine the role of this variant in disease. Therefore, it has been classified as a Variant of Uncertain Significance. Algorithms developed to predict the effect of missense changes on protein structure and function are either unavailable or do not agree on the potential impact of this missense change (SIFT: "Deleterious"; PolyPhen-2: "Possibly Damaging"; Align-GVGD: "Class C0").